The following is an entry in ClinVar:

ClinVar aggregate classification (germline): Benign. Review status: criteria provided, multiple submitters, no conflicts (2 of 4 stars). 8 submissions from 8 submitters: Benign (7). 1 of the submissions does not count toward it. Last evaluated 2026-01-26.

Conditions:
Cystic fibrosis (CF). Also called: MUCOVISCIDOSIS. Identifiers: Orphanet 586, MedGen C0010674, MONDO:0009061, OMIM 219700. Disease mechanism: loss of function.

Allele frequency attached by ClinVar (database versions not stated): ESP Exome Variant Server 0.03668; gnomAD exomes 0.03924 and 0.04981; gnomAD 0.03639 and 0.03675; 1000 Genomes Project 0.01657; 1000 Genomes Project 30x 0.01718; TOPMed 0.03303; ExAC 0.04091.
gnomAD v4.1: 77,546 of 1,595,360 alleles (4.9%); highest among the groups gnomAD compares: Non-Finnish European, 5.4%; 2,120 homozygotes.

Submissions (8):

Labcorp Genetics (formerly Invitae), Labcorp
Classification: Benign for Cystic fibrosis. Last evaluated: 2026-01-26. Review status: criteria provided, single submitter. Criteria: Invitae Variant Classification Sherloc (09022015). Collection method: clinical testing. Allele origin: germline.

ARUP Laboratories, Molecular Genetics and Genomics, ARUP Laboratories
Classification: Benign. Last evaluated: 2020-04-27. Review status: criteria provided, single submitter. Criteria: ARUP Molecular Germline Variant Investigation Process. Collection method: clinical testing. Allele origin: germline.

GeneDx
Classification: Benign. Last evaluated: 2018-06-23. Review status: criteria provided, single submitter. Criteria: GeneDx Variant Classification Process June 2021. Collection method: clinical testing. Allele origin: germline. Affected: yes.

CFTR-France
Classification: Benign for cystic fibrosis. Last evaluated: 2018-01-29. Review status: criteria provided, single submitter. Criteria: Claustres M et al. (Hum Mutat 2017). Collection method: curation. Allele origin: germline. Affected: yes and no.
Comment: the variant does not result in CFTR-RD neither

Quest Diagnostics Nichols Institute San Juan Capistrano
Classification: Benign. Last evaluated: 2016-12-05. Review status: criteria provided, single submitter. Criteria: Quest Diagnostics criteria. Collection method: clinical testing. Allele origin: germline.

Breakthrough Genomics
Classification: Benign. Review status: criteria provided, single submitter. Criteria: ACMG Guidelines, 2015. Collection method: not provided. Allele origin: germline. Inheritance: Autosomal recessive inheritance. Affected: yes.

PreventionGenetics, part of Exact Sciences
Classification: Benign. Review status: criteria provided, single submitter. Criteria: ACMG Guidelines, 2015. Collection method: clinical testing. Allele origin: germline.

Natera, Inc.
Classification: Benign for Cystic Fibrosis. Last evaluated: 2020-09-16. Review status: no assertion criteria provided. Collection method: clinical testing. Allele origin: germline. Not counted in ClinVar's aggregate classification.

NM_000492.4(CFTR):c.743+40A>G

Gene: CFTR (CF transmembrane conductance regulator; plus strand). Cytogenetic location: 7q31.2.
Variant type: single nucleotide variant.
Coding change: c.743+40A>G on transcript NM_000492.4 (MANE Select); 40 bases into the intron after coding-DNA position 743, A replaced by G.
Molecular consequence: intron variant.
Genome position (GRCh38, 1-based): chr7:117,535,451, A>G. VCF-style: chr7-117535451-A-G. GRCh37 (hg19) VCF-style: chr7-117175505-A-G.
Identifiers: ClinVar variation 256256 (VCV000256256.26), dbSNP rs1800502, ClinGen allele CA4450817.